The following is an entry in ClinVar:

NM_000288.4(PEX7):c.116_130+20del

Gene: PEX7 (peroxisomal biogenesis factor 7; plus strand). Cytogenetic location: 6q23.3.
Variant type: Deletion.
Coding change: c.116_130+20del on transcript NM_000288.4 (MANE Select); coding-DNA position 116 through 20 bases into the intron after coding-DNA position 130, 35 bases deleted.
Molecular consequence: splice donor variant.
Genome position (GRCh38, 1-based): chr6:136,822,781-136,822,815, 35 bases deleted; deleting any 35 consecutive bases within chr6:136,822,772-136,822,815 gives the same sequence; the c. name uses the placement nearest the transcript's 3' end. GRCh37 (hg19): chr6:137,143,919-137,143,953.
Identifiers: ClinVar variation 3240100 (VCV003240100.2), dbSNP rs2548068889.

ClinVar aggregate classification (germline): Likely pathogenic. Review status: criteria provided, multiple submitters, no conflicts (2 of 4 stars). 2 submissions from 2 submitters: Likely pathogenic (2). Last evaluated 2026-01-12.

Conditions:
Peroxisome biogenesis disorder 9B. Also called: PEX7-Related Refsum Disease; PEROXISOME BIOGENESIS DISORDER, PEX7-RELATED, ATYPICAL; Refsum disease, adult, 2. Identifiers: Orphanet 773, MedGen C2749346, MONDO:0013945, OMIM 614879.

Submissions (2):

Labcorp Genetics (formerly Invitae), Labcorp
Classification: Likely pathogenic for Peroxisome biogenesis disorder 9B. Last evaluated: 2026-01-12. Review status: criteria provided, single submitter. Criteria: Invitae Variant Classification Sherloc (09022015). Collection method: clinical testing. Allele origin: germline.
Comment: This variant results in the deletion of part of exon 1 (c.116_130+20del) of the PEX7 gene. It is expected to disrupt RNA splicing. Variants that disrupt the donor or acceptor splice site typically lead to a loss of protein function (PMID: 16199547), and loss-of-function variants in PEX7 are known to be pathogenic (PMID: 12325024, 12522768, 20301447). This variant is not present in population databases (gnomAD no frequency). This variant has not been reported in the literature in individuals affected with PEX7-related conditions. ClinVar contains an entry for this variant (Variation ID: 3240100). In summary, the currently available evidence indicates that the variant is pathogenic, but additional data are needed to prove that conclusively. Therefore, this variant has been classified as Likely Pathogenic.

Baylor Genetics
Classification: Likely pathogenic for Peroxisome biogenesis disorder 9B. Last evaluated: 2024-03-30. Review status: criteria provided, single submitter. Criteria: ACMG Guidelines, 2015. Collection method: clinical testing. Allele origin: unknown.

Literature cited by the submitters: PubMed 16199547 (cited by Labcorp Genetics (formerly Invitae), Labcorp); PubMed 12325024 (cited by Labcorp Genetics (formerly Invitae), Labcorp); PubMed 12522768 (cited by Labcorp Genetics (formerly Invitae), Labcorp); PubMed 20301447 (cited by Labcorp Genetics (formerly Invitae), Labcorp).